The following is an entry in ClinVar:

NM_001429.4(EP300):c.2241+5G>A

Gene: EP300 (E1A binding protein p300; plus strand). Cytogenetic location: 22q13.2.
Variant type: single nucleotide variant.
Coding change: c.2241+5G>A on transcript NM_001429.4 (MANE Select); 5 bases into the intron after coding-DNA position 2241, G replaced by A.
Molecular consequence: intron variant.
Genome position (GRCh38, 1-based): chr22:41,147,951, G>A. VCF-style: chr22-41147951-G-A. GRCh37 (hg19) VCF-style: chr22-41543955-G-A.
Other names: c.2163+5G>A (NM_001362843.2).
Identifiers: ClinVar variation 2571808 (VCV002571808.1), dbSNP rs1351812603, ClinGen allele CA645616439.

ClinVar aggregate classification (germline): Uncertain significance (1 of 4 stars; one submission).

Submission:

GeneDx
Classification: Uncertain significance. Last evaluated: 2023-01-10. Review status: criteria provided, single submitter. Criteria: GeneDx Variant Classification Process June 2021. Collection method: clinical testing. Allele origin: germline. Affected: yes.
Comment: Not observed at significant frequency in large population cohorts (gnomAD); In silico analysis supports a deleterious effect on splicing; Has not been previously published as pathogenic or benign to our knowledge